The following is an entry in ClinVar:

NM_175875.5(SIX5):c.217C>T (p.Pro73Ser)

Genes: DM1-AS (DM1 locus antisense RNA; plus strand), SIX5 (SIX homeobox 5; minus strand), LOC107075317 (origin of replication in DMPK trinucleotide repeat region; plus strand), LOC129929037 (ATAC-STARR-seq lymphoblastoid silent region 10794; plus strand). Cytogenetic location: 19q13.32.
Variant type: single nucleotide variant.
Coding change: c.217C>T on transcript NM_175875.5 (MANE Select); coding-DNA position 217, C replaced by T.
Protein change: p.Pro73Ser; replaces proline 73 with serine.
Molecular consequence: missense variant.
Genome position (GRCh38, 1-based): chr19:45,768,628, G>A on the plus strand (C>T on the coding strand, the complement: SIX5 is on the minus strand). VCF-style: chr19-45768628-G-A. GRCh37 (hg19) VCF-style: chr19-46271886-G-A.
Other names: short protein forms P73S.
Identifiers: ClinVar variation 2043065 (VCV002043065.4), dbSNP rs893160207, ClinGen allele CA309001751.

ClinVar aggregate classification (germline): Uncertain significance (1 of 4 stars; one submission).

Allele frequency attached by ClinVar (database versions not stated): gnomAD 0.00002; TOPMed 0.00002.

Submission:

Labcorp Genetics (formerly Invitae), Labcorp
Classification: Uncertain significance. Last evaluated: 2022-06-26. Review status: criteria provided, single submitter. Criteria: Invitae Variant Classification Sherloc (09022015). Collection method: clinical testing. Allele origin: germline.
Comment: This variant is not present in population databases (gnomAD no frequency). In summary, the available evidence is currently insufficient to determine the role of this variant in disease. Therefore, it has been classified as a Variant of Uncertain Significance. Algorithms developed to predict the effect of missense changes on protein structure and function output the following: SIFT: "Tolerated"; PolyPhen-2: "Not Available"; Align-GVGD: "Class C0". The serine amino acid residue is found in multiple mammalian species, which suggests that this missense change does not adversely affect protein function. This variant has not been reported in the literature in individuals affected with SIX5-related conditions. This sequence change replaces proline, which is neutral and non-polar, with serine, which is neutral and polar, at codon 73 of the SIX5 protein (p.Pro73Ser).